The following is an entry in ClinVar:

ClinVar aggregate classification (germline): Uncertain significance (1 of 4 stars; one submission).

Allele frequency attached by ClinVar (database versions not stated): gnomAD exomes below 0.00001 and 0.00001; TOPMed below 0.00001; gnomAD 0.00001.
gnomAD v4.1: 7 of 1,613,734 alleles (0.00043%); highest among the groups gnomAD compares: Non-Finnish European, 0.00051%; no homozygotes.

Submission:

Labcorp Genetics (formerly Invitae), Labcorp
Classification: Uncertain significance. Last evaluated: 2022-04-13. Review status: criteria provided, single submitter. Criteria: Invitae Variant Classification Sherloc (09022015). Collection method: clinical testing. Allele origin: germline.
Comment: In summary, the available evidence is currently insufficient to determine the role of this variant in disease. Therefore, it has been classified as a Variant of Uncertain Significance. Algorithms developed to predict the effect of missense changes on protein structure and function output the following: SIFT: "Tolerated"; PolyPhen-2: "Benign"; Align-GVGD: "Class C0". The alanine amino acid residue is found in multiple mammalian species, which suggests that this missense change does not adversely affect protein function. This variant has not been reported in the literature in individuals affected with VCAN-related conditions. This variant is present in population databases (no rsID available, gnomAD 0.002%). This sequence change replaces threonine, which is neutral and polar, with alanine, which is neutral and non-polar, at codon 1823 of the VCAN protein (p.Thr1823Ala).

NM_004385.5(VCAN):c.5467A>G (p.Thr1823Ala)

Genes: VCAN (versican; plus strand), VCAN-AS1 (VCAN antisense RNA 1; minus strand). Cytogenetic location: 5q14.3.
Variant type: single nucleotide variant.
Coding change: c.5467A>G on transcript NM_004385.5 (MANE Select); coding-DNA position 5467, A replaced by G.
Protein change: p.Thr1823Ala; replaces threonine 1823 with alanine.
Molecular consequence: missense variant. On other transcripts: intron variant (2).
Genome position (GRCh38, 1-based): chr5:83,538,470, A>G. VCF-style: chr5-83538470-A-G. GRCh37 (hg19) VCF-style: chr5-82834289-A-G.
Other names: c.2506A>G, p.Thr836Ala (NM_001164097.2); c.4004-7067A>G (NM_001164098.2); c.1043-7067A>G (NM_001126336.3); short protein forms T836A, T1823A.
Identifiers: ClinVar variation 1382917 (VCV001382917.6), dbSNP rs930573869, ClinGen allele CA121809478.
Genomic context (GRCh38, chr5:83,538,470, plus strand): 5'-GGGGCACAGACCACTGAGCACAGCAGTATCCATCAACCTGGGGTTCAGGAAGGGCTGACC[A>G]CTCTCCCACGTAGTCCTGCCTCTGTCTTTATGGAGCAGGGCTCTGGAGAAGCTGCTGCCG-3'
Protein context (NP_004376.2, residues 1813-1833): HQPGVQEGLT[Thr1823Ala]LPRSPASVFM